The following is an entry in ClinVar:

ClinVar aggregate classification (germline): Pathogenic. Review status: criteria provided, multiple submitters, no conflicts (2 of 4 stars). 2 submissions from 2 submitters: Pathogenic (2). Last evaluated 2025-01-11.

Conditions:
Meckel-Gruber syndrome. Also called: DYSENCEPHALIA SPLANCHNOCYSTICA; GRUBER SYNDROME; Dysencephalia splachnocystica. Identifiers: Orphanet 564, MedGen C0265215, MONDO:0018921.
Nephronophthisis. Also called: Juvenile Nephronophthisis. Identifiers: Orphanet 655, MedGen C0687120, MONDO:0019005, HP:0000090.
Joubert syndrome. Also called: JOUBERT-BOLTSHAUSER SYNDROME; Familial aplasia of the vermis. Identifiers: Orphanet 475, MedGen C5979921, MONDO:0018772.
CEP290-related ciliopathy. Also called: CEP290 ciliopathy. Identifiers: MedGen CN305601, MONDO:0100451.

Allele frequency attached by ClinVar (database versions not stated): TOPMed below 0.00001; ExAC 0.00004; gnomAD 0.00001.
gnomAD v4.1: 3 of 1,549,016 alleles (0.00019%); highest among the groups gnomAD compares: East Asian, 0.0072%; no homozygotes.

Submissions (2):

Myriad Genetics, Inc.
Classification: Pathogenic for CEP290-related ciliopathy. Last evaluated: 2025-01-11. Review status: criteria provided, single submitter. Criteria: Myriad Autosomal Dominant, Autosomal Recessive and X-Linked Classification Criteria (2023). Collection method: clinical testing. Allele origin: unknown.
Comment: NM_025114.3(CEP290):c.1501G>T(E501*) is expected to be pathogenic in the context of CEP290-related disorders. This variant is predicted to lead to an abnormal or absent protein product due to the creation of a premature termination codon in CEP290, a gene where loss-of-function variants are known to be pathogenic. Please note: this variant was assessed in the context of healthy population screening.

Labcorp Genetics (formerly Invitae), Labcorp
Classification: Pathogenic for Joubert syndrome; Meckel-Gruber syndrome; Nephronophthisis. Last evaluated: 2023-01-02. Review status: criteria provided, single submitter. Criteria: Invitae Variant Classification Sherloc (09022015). Collection method: clinical testing. Allele origin: germline.
Comment: This sequence change creates a premature translational stop signal (p.Glu501*) in the CEP290 gene. It is expected to result in an absent or disrupted protein product. Loss-of-function variants in CEP290 are known to be pathogenic (PMID: 16909394, 17345604, 20690115). The frequency data for this variant in the population databases is considered unreliable, as metrics indicate poor data quality at this position in the gnomAD database. This variant has not been reported in the literature in individuals affected with CEP290-related conditions. For these reasons, this variant has been classified as Pathogenic.

Literature cited by the submitters: PubMed 16909394 (cited by Labcorp Genetics (formerly Invitae), Labcorp); PubMed 17345604 (cited by Labcorp Genetics (formerly Invitae), Labcorp); PubMed 20690115 (cited by Labcorp Genetics (formerly Invitae), Labcorp).

NM_025114.4(CEP290):c.1501G>T (p.Glu501Ter)

Gene: CEP290 (centrosomal protein 290; minus strand). Cytogenetic location: 12q21.32.
Variant type: single nucleotide variant.
Coding change: c.1501G>T on transcript NM_025114.4 (MANE Select); coding-DNA position 1501, G replaced by T.
Protein change: p.Glu501Ter; replaces glutamic acid 501 with a stop codon.
Molecular consequence: nonsense.
Genome position (GRCh38, 1-based): chr12:88,120,135, C>A on the plus strand (G>T on the coding strand, the complement: CEP290 is on the minus strand). VCF-style: chr12-88120135-C-A. GRCh37 (hg19) VCF-style: chr12-88513912-C-A.
Other names: short protein forms E501*.
Identifiers: ClinVar variation 1991508 (VCV001991508.5), dbSNP rs780896294, ClinGen allele CA6712550.